The following is an entry in ClinVar:

ClinVar aggregate classification (germline): Likely benign. Review status: reviewed by expert panel (3 of 4 stars). 4 submissions from 4 submitters: Likely benign (1). 3 of the submissions do not count toward it. Last evaluated 2024-12-17.

Conditions:
Glanzmann thrombasthenia. Also called: THROMBASTHENIA OF GLANZMANN AND NAEGELI; Glanzmann's thrombasthenia; PLATELET GLYCOPROTEIN IIb-IIIa DEFICIENCY; Thrombasthenia. Identifiers: Orphanet 849, MedGen C0040015, MONDO:0100326.

Allele frequency attached by ClinVar (database versions not stated): gnomAD exomes 0.00014 and 0.00030; ExAC 0.00018; ESP Exome Variant Server 0.00023; gnomAD 0.00024 and 0.00026; TOPMed 0.00028.

Submissions (4):

ClinGen Platelet Disorders Variant Curation Expert Panel, ClinGen
Classification: Likely benign for Glanzmann thrombasthenia. Last evaluated: 2024-12-17. Review status: reviewed by expert panel. Criteria: ClinGen Platelet ACMG Specifications v2-1. Collection method: curation. Allele origin: germline. Inheritance: Autosomal recessive inheritance.
Comment: The c.671-13C>T variant in ITGA2B is an intronic variant which located in intron 6. The variant is not predicted by SpliceAI to impact splicing. In addition, it occurs at a nucleotide that is not conserved as shown by phyloP score of 0.328102 (BP4, BP7). The highest population minor allele frequency in gnomAD v4.1.0 is 0.00006666 (4/60004 alleles) in the Admixed American population, which is lower than the ClinGen PD VCEP threshold (<0.0001; PM2_Supporting). This variant was observed by Illumina as part of a predisposition screen in an ostensibly healthy population, however no cases of the variant segregating in GT patients were found in the literature. Due to conflicting evidence, this variant is classified as likely benign for autosomal recessive Glanzmann thrombasthenia based on the ACMG/AMP criteria applied, as specified by the ClinGen PD-VCEP: BP4, BP7 and PM2_Supporting (VCEP specifications version 2.1.0).

Labcorp Genetics (formerly Invitae), Labcorp
Classification: Benign for Glanzmann thrombasthenia. Last evaluated: 2026-01-13. Review status: criteria provided, single submitter. Criteria: Invitae Variant Classification Sherloc (09022015). Collection method: clinical testing. Allele origin: germline. Not counted in ClinVar's aggregate classification.

Blueprint Genetics
Classification: Likely benign. Last evaluated: 2024-09-24. Review status: criteria provided, single submitter. Criteria: ACMG Guidelines, 2015. Collection method: clinical testing. Allele origin: germline. Not counted in ClinVar's aggregate classification.

Illumina Laboratory Services, Illumina
Classification: Uncertain significance for Glanzmann thrombasthenia 1. Last evaluated: 2018-01-13. Review status: criteria provided, single submitter. Criteria: ICSL Variant Classification Criteria 13 December 2019. Collection method: clinical testing. Allele origin: germline. Not counted in ClinVar's aggregate classification.

NM_000419.5(ITGA2B):c.671-13C>T

Gene: ITGA2B (integrin subunit alpha 2b; minus strand). Cytogenetic location: 17q21.31.
Variant type: single nucleotide variant.
Coding change: c.671-13C>T on transcript NM_000419.5 (MANE Select); 13 bases into the intron before coding-DNA position 671, C replaced by T.
Molecular consequence: intron variant.
Genome position (GRCh38, 1-based): chr17:44,385,089, G>A on the plus strand (C>T on the coding strand, the complement: ITGA2B is on the minus strand). VCF-style: chr17-44385089-G-A. GRCh37 (hg19) VCF-style: chr17-42462457-G-A.
Other names: c.671-13C>T (LRG_479t1).
Identifiers: ClinVar variation 323564 (VCV000323564.10), dbSNP rs200108644, ClinGen allele CA8603374.